The following is an entry in ClinVar:

NM_017739.4(POMGNT1):c.652+19A>G

Genes: POMGNT1 (protein O-linked mannose N-acetylglucosaminyltransferase 1 (beta 1,2-); minus strand), TSPAN1 (tetraspanin 1; plus strand). Cytogenetic location: 1p34.1.
Variant type: single nucleotide variant.
Coding change: c.652+19A>G on transcript NM_017739.4 (MANE Select); 19 bases into the intron after coding-DNA position 652, A replaced by G.
Molecular consequence: intron variant.
Genome position (GRCh38, 1-based): chr1:46,194,825, T>C on the plus strand (A>G on the coding strand, the complement: POMGNT1 is on the minus strand). VCF-style: chr1-46194825-T-C. GRCh37 (hg19) VCF-style: chr1-46660497-T-C.
Other names: c.652+19A>G (NM_001243766.2, NM_001438686.1, NM_001438688.1 and 3 more transcripts); c.586+19A>G (NM_001290129.3, NM_001438691.1, NM_001438692.1); c.223+19A>G (NM_001290130.2).
Identifiers: ClinVar variation 515562 (VCV000515562.1), dbSNP rs1475010799, ClinGen allele CA658795457.
Genomic context (GRCh38, chr1:46,194,825, plus strand): 5'-CCACCCCACCCCATCTCCTAGGGTTCTGCTCCTCCCAGGCTCTTGATACTACAGAGTGGA[T>C]GGCCTCTGATGCCGGCACCTCCTTTTCGTCCCACGAAGGCCCATGTGTCCCTCCAGCCCA-3'

ClinVar aggregate classification (germline): Likely benign (1 of 4 stars; one submission).

Allele frequency attached by ClinVar (database versions not stated): TOPMed 0.00001.

Submission:

GeneDx
Classification: Likely benign. Last evaluated: 2018-02-27. Review status: criteria provided, single submitter. Criteria: GeneDx Variant Classification (06012015). Collection method: clinical testing. Allele origin: germline. Affected: yes.
Comment: This variant is considered likely benign or benign based on one or more of the following criteria: it is a conservative change, it occurs at a poorly conserved position in the protein, it is predicted to be benign by multiple in silico algorithms, and/or has population frequency not consistent with disease.